The following is an entry in ClinVar:

ClinVar aggregate classification (germline): Uncertain significance (1 of 4 stars; one submission).

Submission:

Athena Diagnostics
Classification: Uncertain significance. Last evaluated: 2023-06-07. Review status: criteria provided, single submitter. Criteria: Athena Diagnostics Criteria. Collection method: clinical testing. Allele origin: unknown.
Comment: Available data are insufficient to determine the clinical significance of the variant at this time. This variant has not been reported in large, multi-ethnic general populations. Computational tools predict that this variant is not damaging.

NM_006946.4(SPTBN2):c.5906T>C (p.Met1969Thr)

Gene: SPTBN2 (spectrin beta, non-erythrocytic 2; minus strand). Cytogenetic location: 11q13.2.
Variant type: single nucleotide variant.
Coding change: c.5906T>C on transcript NM_006946.4 (MANE Select); coding-DNA position 5906, T replaced by C.
Protein change: p.Met1969Thr; replaces methionine 1969 with threonine.
Molecular consequence: missense variant.
Genome position (GRCh38, 1-based): chr11:66,689,848, A>G on the plus strand (T>C on the coding strand, the complement: SPTBN2 is on the minus strand). VCF-style: chr11-66689848-A-G. GRCh37 (hg19) VCF-style: chr11-66457319-A-G.
Other names: c.5927T>C, p.Met1976Thr (NM_001411025.1); short protein forms M1969T, M1976T.
Identifiers: ClinVar variation 2684353 (VCV002684353.1), dbSNP rs2495846258, ClinGen allele CA381463188.
Genomic context (GRCh38, chr11:66,689,848, plus strand): 5'-ACCCAGGCCTCACCCACCTCCTCGGCCGCATAGTGGCTCCTGGCCAGCAGCTCCTTCCCC[A>G]TGTCGATGCAGGAGGAGAAGCGGTCTGCCCGGGCCTCTATCTCTGCCTTGATGCCTTGCT-3'
Protein context (NP_008877.2, residues 1959-1979): RADRFSSCID[Met1969Thr]GKELLARSHY